The following is an entry in ClinVar:

ClinVar aggregate classification (germline): Likely pathogenic. Review status: criteria provided, multiple submitters, no conflicts (2 of 4 stars). 2 submissions from 2 submitters: Likely pathogenic (2). Last evaluated 2025-04-28.

Conditions:
Neurofibromatosis, type 1 (NF1). Also called: Neurofibromatosis, type I; VON RECKLINGHAUSEN DISEASE; NEUROFIBROMATOSIS, TYPE I, SOMATIC; Peripheral type neurofibromatosis. Identifiers: Orphanet 636, MedGen C0027831, MONDO:0018975, OMIM 162200. Disease mechanism: loss of function.

Submissions (2):

KCCC/NGS Laboratory, Kuwait Cancer Control Center
Classification: Likely pathogenic for Neurofibromatosis, type 1. Last evaluated: 2025-04-28. Review status: criteria provided, single submitter. Criteria: ACMG Guidelines, 2015. Collection method: clinical testing. Allele origin: germline. Inheritance: Autosomal dominant inheritance. Affected: yes. Observed: 1 heterozygote.
Comment: This sequence change replaces isoleucine, which is neutral and non-polar, with lysine, which is basic and polar, at codon 177 of the NF1 protein (p.Ile177Lys).This variant has not been reported in the literature in individuals affected with NF1-related conditions. This variant is not present in population databases (gnomAD no frequency)Nor in our local database . This variant disrupts the p.Ile177 amino acid residue in NF1. Other variant(s) that disrupt this residue have been determined to be pathogenic. In summary, the currently available evidence indicates that the variant is pathogenic, but additional data are needed to prove that conclusively. Therefore, this variant has been classified as Likely Pathogenic.

Labcorp Genetics (formerly Invitae), Labcorp
Classification: Likely pathogenic for Neurofibromatosis, type 1. Last evaluated: 2022-09-12. Review status: criteria provided, single submitter. Criteria: Invitae Variant Classification Sherloc (09022015). Collection method: clinical testing. Allele origin: germline.
Comment: This variant has not been reported in the literature in individuals affected with NF1-related conditions. This variant is not present in population databases (gnomAD no frequency). This sequence change replaces isoleucine, which is neutral and non-polar, with lysine, which is basic and polar, at codon 177 of the NF1 protein (p.Ile177Lys). Advanced modeling of protein sequence and biophysical properties (such as structural, functional, and spatial information, amino acid conservation, physicochemical variation, residue mobility, and thermodynamic stability) performed at Invitae indicates that this missense variant is expected to disrupt NF1 protein function. In summary, the currently available evidence indicates that the variant is pathogenic, but additional data are needed to prove that conclusively. Therefore, this variant has been classified as Likely Pathogenic. This variant disrupts the p.Ile177 amino acid residue in NF1. Other variant(s) that disrupt this residue have been determined to be pathogenic (Invitae). This suggests that this residue is clinically significant, and that variants that disrupt this residue are likely to be disease-causing.

NM_001042492.3(NF1):c.530T>A (p.Ile177Lys)

Gene: NF1 (neurofibromin 1; plus strand). Cytogenetic location: 17q11.2.
Variant type: single nucleotide variant.
Coding change: c.530T>A on transcript NM_001042492.3 (MANE Select); coding-DNA position 530, T replaced by A.
Protein change: p.Ile177Lys; replaces isoleucine 177 with lysine.
Molecular consequence: missense variant.
Genome position (GRCh38, 1-based): chr17:31,169,941, T>A. VCF-style: chr17-31169941-T-A. GRCh37 (hg19) VCF-style: chr17-29496959-T-A.
Other names: c.530T>A, p.Ile177Lys (NM_000267.4, NM_001128147.3); short protein forms I177K.
Identifiers: ClinVar variation 2157924 (VCV002157924.4), dbSNP rs2143707493, ClinGen allele CA398985102.